The following is an entry in ClinVar:

NM_016529.6(ATP8A2):c.3076-2A>G

Gene: ATP8A2 (ATPase phospholipid transporting 8A2). Cytogenetic location: 13q12.13.
Variant type: single nucleotide variant.
Coding change: c.3076-2A>G on transcript NM_016529.6 (MANE Select); the canonical splice acceptor site of the intron before coding-DNA position 3076, A replaced by G.
Molecular consequence: splice acceptor variant.
Genome position (GRCh38, 1-based): chr13:25,862,299, A>G. VCF-style: chr13-25862299-A-G. GRCh37 (hg19) VCF-style: chr13-26436437-A-G.
Other names: c.3001-2A>G (NM_001411005.1); c.3076-2A>G (NM_001411006.1); c.2881-2A>G (NM_001313741.1).
Identifiers: ClinVar variation 1495002 (VCV001495002.8), dbSNP rs2138765275, ClinGen allele CA387684270.

ClinVar aggregate classification (germline): Likely pathogenic (1 of 4 stars; one submission).

Submission:

Labcorp Genetics (formerly Invitae), Labcorp
Classification: Likely pathogenic. Last evaluated: 2024-12-16. Review status: criteria provided, single submitter. Criteria: Invitae Variant Classification Sherloc (09022015). Collection method: clinical testing. Allele origin: germline.
Comment: This sequence change affects an acceptor splice site in intron 32 of the ATP8A2 gene. It is expected to disrupt RNA splicing. Variants that disrupt the donor or acceptor splice site typically lead to a loss of protein function (PMID: 16199547), and loss-of-function variants in ATP8A2 are known to be pathogenic (PMID: 28454995, 29531481). This variant is not present in population databases (gnomAD no frequency). This variant has not been reported in the literature in individuals affected with ATP8A2-related conditions. ClinVar contains an entry for this variant (Variation ID: 1495002). Algorithms developed to predict the effect of sequence changes on RNA splicing suggest that this variant may disrupt the consensus splice site. In summary, the currently available evidence indicates that the variant is pathogenic, but additional data are needed to prove that conclusively. Therefore, this variant has been classified as Likely Pathogenic.

Literature cited by the submitters: PubMed 16199547; PubMed 28454995; PubMed 29531481.